The following is an entry in ClinVar:

NM_177438.3(DICER1):c.3627dup (p.Pro1210fs)

Gene: DICER1 (dicer 1, ribonuclease III; minus strand). Cytogenetic location: 14q32.13.
Variant type: Duplication.
Coding change: c.3627dup on transcript NM_177438.3 (MANE Select); coding-DNA position 3627, one base duplicated (A; older notation c.3627dupA).
Protein change: p.Pro1210fs; shifts the reading frame from proline 1210.
Molecular consequence: frameshift variant. On other transcripts: non-coding transcript variant (6).
Genome position (GRCh38, 1-based): chr14:95,103,769, T duplicated on the plus strand (A on the coding strand, the reverse complement: DICER1 is on the minus strand). VCF-style (leftmost placement, unchanged base first): chr14-95103768-G-GT. GRCh37 (hg19) VCF-style: chr14-95570105-G-GT.
Other names: c.3627dup, p.Pro1210fs (NM_001195573.1, NM_001271282.3, NM_001291628.2 and 12 more transcripts); c.3627dup, p.Pro1210Thrfs (NM_001395681.1); c.3345dup, p.Pro1116fs (NM_001395686.1); c.3222dup, p.Pro1075fs (NM_001395687.1, NM_001395688.1, NM_001395689.1 and 2 more transcripts); c.3060dup, p.Pro1021fs (NM_001395691.1); c.1944dup, p.Pro649fs (NM_001395697.1); short protein forms P1021fs, P1210fs, P649fs, P1075fs, P1116fs.
Identifiers: ClinVar variation 2013876 (VCV002013876.4), dbSNP rs2542705609, ClinGen allele CA2580088963.
Genomic context (GRCh38, chr14:95,103,768, plus strand): 5'-GGGGCTGGTTCTCGTAACTGTATAAATTCTGAATGGAATATGAGGTAGTTGGTTGCACGG[G>GT]TATTTCCTGCTTGTAGTAATTTAGCTGATTTCCTTGGCAAAAGTCTCTGTTAGCTAAATC-3'

ClinVar aggregate classification (germline): Pathogenic (1 of 4 stars; one submission).

Conditions:
DICER1-related tumor predisposition. Also called: DICER1 syndrome; DICER1-related pleuropulmonary blastoma cancer predisposition syndrome. Identifiers: Orphanet 284343, MedGen C3839822, MONDO:0100216.

Submission:

Labcorp Genetics (formerly Invitae), Labcorp
Classification: Pathogenic for DICER1-related tumor predisposition. Last evaluated: 2022-11-04. Review status: criteria provided, single submitter. Criteria: Invitae Variant Classification Sherloc (09022015). Collection method: clinical testing. Allele origin: germline.
Comment: For these reasons, this variant has been classified as Pathogenic. This variant has not been reported in the literature in individuals affected with DICER1-related conditions. This variant is not present in population databases (gnomAD no frequency). This sequence change creates a premature translational stop signal (p.Pro1210Thrfs*25) in the DICER1 gene. It is expected to result in an absent or disrupted protein product. Loss-of-function variants in DICER1 are known to be pathogenic (PMID: 19556464, 21266384).

Literature cited by the submitters: PubMed 19556464; PubMed 21266384.